The following is an entry in ClinVar:

NM_005343.4(HRAS):c.478G>C (p.Val160Leu)

Genes: HRAS (HRas proto-oncogene, GTPase; minus strand), LRRC56 (leucine rich repeat containing 56; plus strand). Cytogenetic location: 11p15.5.
Variant type: single nucleotide variant.
Coding change: c.478G>C on transcript NM_005343.4 (MANE Select); coding-DNA position 478, G replaced by C.
Protein change: p.Val160Leu; replaces valine 160 with leucine.
Molecular consequence: missense variant. On other transcripts: 3 prime UTR variant (1).
Genome position (GRCh38, 1-based): chr11:532,728, C>G on the plus strand (G>C on the coding strand, the complement: HRAS is on the minus strand). VCF-style: chr11-532728-C-G. GRCh37 (hg19) VCF-style: chr11-532728-C-G.
Other names: c.478G>C, p.Val160Leu (NM_001130442.3); c.241G>C, p.Val81Leu (NM_001318054.2); c.*47G>C (NM_176795.5); short protein forms V160L, V81L.
Identifiers: ClinVar variation 3284768 (VCV003284768.1).

ClinVar aggregate classification (germline): Uncertain significance (1 of 4 stars; one submission).

Conditions:
Cardiovascular phenotype. Identifiers: MedGen CN230736.

Submission:

Ambry Genetics
Classification: Uncertain significance for Cardiovascular phenotype. Last evaluated: 2024-05-03. Review status: criteria provided, single submitter. Criteria: Ambry Variant Classification Scheme 2023. Collection method: clinical testing. Allele origin: germline.
Comment: The p.V160L variant (also known as c.478G>C), located in coding exon 4 of the HRAS gene, results from a G to C substitution at nucleotide position 478. The valine at codon 160 is replaced by leucine, an amino acid with highly similar properties. This amino acid position is conserved. In addition, the in silico prediction for this alteration is inconclusive. Based on the available evidence, the clinical significance of this variant remains unclear.